The following is an entry in ClinVar:

ClinVar aggregate classification (germline): Benign. Review status: criteria provided, multiple submitters, no conflicts (2 of 4 stars). 2 submissions from 2 submitters: Benign (2). Last evaluated 2018-01-13.

Conditions:
VPS13A-related neurodegenerative disease. Also called: Choreoacanthocytosis; Chorea-acanthocytosis; LEVINE-CRITCHLEY SYNDROME; Choreaacanthocytosis; ACANTHOCYTOSIS WITH NEUROLOGIC DISORDER; VPS13A Disease. Identifiers: Orphanet 2388, MedGen C0393576, MONDO:0008695, OMIM 200150.

Allele frequency attached by ClinVar (database versions not stated): 1000 Genomes Project 30x 0.24578; 1000 Genomes Project 0.24940; TOPMed 0.29113; gnomAD 0.30192 and 0.30268.

Submissions (2):

Illumina Laboratory Services, Illumina
Classification: Benign for VPS13A-related neurodegenerative disease. Last evaluated: 2018-01-13. Review status: criteria provided, single submitter. Criteria: ICSL Variant Classification Criteria 13 December 2019. Collection method: clinical testing. Allele origin: germline.
Comment: This variant was observed in the ICSL laboratory as part of a predisposition screen in an ostensibly healthy population. It had not been previously curated by ICSL or reported in the Human Gene Mutation Database (HGMD: prior to June 1st, 2018), and was therefore a candidate for classification through an automated scoring system. Utilizing variant allele frequency, disease prevalence and penetrance estimates, and inheritance mode, an automated score was calculated to assess if this variant is too frequent to cause the disease. Based on the score and internal cut-off values, a variant classified as benign is not then subjected to further curation. The score for this variant resulted in a classification of benign for this disease.

Breakthrough Genomics
Classification: Benign. Review status: criteria provided, single submitter. Criteria: ACMG Guidelines, 2015. Collection method: not provided. Allele origin: germline. Inheritance: Autosomal recessive inheritance. Affected: yes.

NM_033305.3(VPS13A):c.*1378C>A

Gene: VPS13A (vacuolar protein sorting 13 homolog A; plus strand). Cytogenetic location: 9q21.2.
Variant type: single nucleotide variant.
Coding change: c.*1378C>A on transcript NM_033305.3 (MANE Select); 1378 bases downstream of the stop codon, C replaced by A.
Molecular consequence: 3 prime UTR variant.
Genome position (GRCh38, 1-based): chr9:77,417,384, C>A. VCF-style: chr9-77417384-C-A. GRCh37 (hg19) VCF-style: chr9-80032300-C-A.
Other names: c.*1378C>A (NM_001018037.2).
Identifiers: ClinVar variation 367449 (VCV000367449.6), dbSNP rs13286867, ClinGen allele CA10634049.